The following is an entry in ClinVar:

ClinVar aggregate classification (germline): Likely pathogenic (1 of 4 stars; one submission).

Conditions:
Hereditary cancer-predisposing syndrome. Also called: Hereditary Cancer Syndrome; Neoplastic Syndromes, Hereditary; Tumor predisposition; Hereditary neoplastic syndrome. Identifiers: Orphanet 140162, MedGen C0027672, MeSH D009386, MONDO:0015356.

Allele frequency attached by ClinVar (database versions not stated): gnomAD exomes below 0.00001.
gnomAD v4.1: 1 of 1,613,262 alleles (0.000062%); highest among the groups gnomAD compares: Non-Finnish European, 0.000085%; no homozygotes.

Submission:

Ambry Genetics
Classification: Likely pathogenic for Hereditary cancer-predisposing syndrome. Last evaluated: 2022-01-06. Review status: criteria provided, single submitter. Criteria: Ambry Variant Classification Scheme 2023. Collection method: clinical testing. Allele origin: germline.
Comment: The c.5309C>T variant (also known as p.S1770L), located in coding exon 34 of the ATM gene, results from a C to T substitution at nucleotide position 5309. The serine at codon 1770 is replaced by leucine, an amino acid with dissimilar properties. This nucleotide position is highly conserved in available vertebrate species. In silico splice site analysis predicts that this alteration will weaken the native splice donor site. RNA studies have demonstrated that this alteration results in abnormal splicing in the set of samples tested (Ambry internal data). This variant is considered to be rare based on population cohorts in the Genome Aggregation Database (gnomAD). Based on the majority of available evidence to date, this variant is likely to be pathogenic.

NM_000051.4(ATM):c.5309C>T (p.Ser1770Leu)

Gene: ATM (ATM serine/threonine kinase; plus strand). Cytogenetic location: 11q22.3.
Variant type: single nucleotide variant.
Coding change: c.5309C>T on transcript NM_000051.4 (MANE Select); coding-DNA position 5309, C replaced by T.
Protein change: p.Ser1770Leu; replaces serine 1770 with leucine.
Molecular consequence: missense variant.
Genome position (GRCh38, 1-based): chr11:108,301,779, C>T. VCF-style: chr11-108301779-C-T. GRCh37 (hg19) VCF-style: chr11-108172506-C-T.
Other names: c.5309C>T, p.Ser1770Leu (NM_001351834.2); short protein forms S1770L.
Identifiers: ClinVar variation 1746740 (VCV001746740.2), dbSNP rs121434223, ClinGen allele CA382542791.